The following is an entry in ClinVar:

NM_015261.3(NCAPD3):c.1440G>A (p.Ser480=)

Gene: NCAPD3 (non-SMC condensin II complex subunit D3; minus strand). Cytogenetic location: 11q25.
Variant type: single nucleotide variant.
Coding change: c.1440G>A on transcript NM_015261.3 (MANE Select); coding-DNA position 1440, G replaced by A.
Protein change: p.Ser480=; no amino-acid change (serine 480 retained).
Molecular consequence: synonymous variant.
Genome position (GRCh38, 1-based): chr11:134,203,682, C>T on the plus strand (G>A on the coding strand, the complement: NCAPD3 is on the minus strand). VCF-style: chr11-134203682-C-T. GRCh37 (hg19) VCF-style: chr11-134073577-C-T.
Other names: c.1440G>A, p.Ser480= (NM_001372065.1, NM_001372068.1); c.1026G>A, p.Ser342= (NM_001372069.1, NM_001372070.1).
Identifiers: ClinVar variation 4822669 (VCV004822669.4).
Genomic context (GRCh38, chr11:134,203,682, plus strand): 5'-CGGTTTACTGTCCCAATAGTCGCCATACTCACTGTTAATCAGGAGCTCCAGGATACTCTC[C>T]GACGCACTGGTAACAGTCAACTCCAGACAGTGTGCAAAGCTGGACAGTGCCTTGCTGCGG-3'
Protein context (NP_056076.1, residues 470-490): HCLELTVTSA[Ser480=]ESILELLINS

ClinVar aggregate classification (germline): Likely benign (1 of 4 stars; one submission).

gnomAD v4.1: 89 of 1,613,520 alleles (0.0055%); highest among the groups gnomAD compares: Non-Finnish European, 0.007%; no homozygotes.

Submission:

CeGaT Center for Human Genetics Tuebingen
Classification: Likely benign. Last evaluated: 2026-03-01. Review status: criteria provided, single submitter. Criteria: CeGaT Center For Human Genetics Tuebingen Variant Classification Criteria Version 2. Collection method: clinical testing. Allele origin: germline. Affected: yes. Observed: 1 variant allele.
Comment: NCAPD3: BP4, BP7